The following is an entry in ClinVar:

ClinVar aggregate classification (germline): Likely benign. Review status: criteria provided, multiple submitters, no conflicts (2 of 4 stars). 2 submissions from 2 submitters: Likely benign (2). Last evaluated 2025-03-14.

Conditions:
CDHR1-related disorder. Also called: CDHR1-related condition.

Allele frequency attached by ClinVar (database versions not stated): ExAC 0.00002; gnomAD exomes 0.00002.
gnomAD v4.1: 40 of 1,614,088 alleles (0.0025%); highest among the groups gnomAD compares: Non-Finnish European, 0.0031%; no homozygotes.

Submissions (2):

PreventionGenetics, part of Exact Sciences
Classification: Likely benign for CDHR1-related condition. Last evaluated: 2025-03-14. Review status: criteria provided, single submitter. Criteria: ACMG Guidelines, 2015. Collection method: clinical testing. Allele origin: germline.
Comment: This variant is classified as likely benign based on ACMG/AMP sequence variant interpretation guidelines (Richards et al. 2015 PMID: 25741868, with internal and published modifications).

Labcorp Genetics (formerly Invitae), Labcorp
Classification: Likely benign. Last evaluated: 2024-09-10. Review status: criteria provided, single submitter. Criteria: Invitae Variant Classification Sherloc (09022015). Collection method: clinical testing. Allele origin: germline.

NM_033100.4(CDHR1):c.693G>A (p.Thr231=)

Gene: CDHR1 (cadherin related family member 1; plus strand). Cytogenetic location: 10q23.1.
Variant type: single nucleotide variant.
Coding change: c.693G>A on transcript NM_033100.4 (MANE Select); coding-DNA position 693, G replaced by A.
Protein change: p.Thr231=; no amino-acid change (threonine 231 retained).
Molecular consequence: synonymous variant.
Genome position (GRCh38, 1-based): chr10:84,203,033, G>A. VCF-style: chr10-84203033-G-A. GRCh37 (hg19) VCF-style: chr10-85962789-G-A.
Other names: c.693G>A, p.Thr231= (NM_001171971.3); c.693G>A (NM_033100.3).
Identifiers: ClinVar variation 1110855 (VCV001110855.10), dbSNP rs774936408, ClinGen allele CA5579646.